The following is an entry in ClinVar:

NM_002184.4(IL6ST):c.2708A>T (p.Lys903Ile)

Gene: IL6ST (interleukin 6 cytokine family signal transducer; minus strand). Cytogenetic location: 5q11.2.
Variant type: single nucleotide variant.
Coding change: c.2708A>T on transcript NM_002184.4 (MANE Select); coding-DNA position 2708, A replaced by T.
Protein change: p.Lys903Ile; replaces lysine 903 with isoleucine.
Molecular consequence: missense variant. On other transcripts: 3 prime UTR variant (1), non-coding transcript variant (2).
Genome position (GRCh38, 1-based): chr5:55,941,131, T>A on the plus strand (A>T on the coding strand, the complement: IL6ST is on the minus strand). VCF-style: chr5-55941131-T-A. GRCh37 (hg19) VCF-style: chr5-55236959-T-A.
Other names: c.2525A>T, p.Lys842Ile (NM_001190981.2); c.2606A>T, p.Lys869Ile (NM_001364275.2); c.2498A>T, p.Lys833Ile (NM_001364276.2); c.1841A>T, p.Lys614Ile (NM_001364277.2); c.1805A>T, p.Lys602Ile (NM_001364278.2); c.1712A>T, p.Lys571Ile (NM_001364279.2); c.*1635A>T (NM_175767.3); short protein forms K842I, K903I, K602I, K571I, K614I, K833I, K869I.
Identifiers: ClinVar variation 2815687 (VCV002815687.3), dbSNP rs879036952, ClinGen allele CA119065207.

ClinVar aggregate classification (germline): Uncertain significance (1 of 4 stars; one submission).

Allele frequency attached by ClinVar (database versions not stated): TOPMed below 0.00001.

Submission:

Labcorp Genetics (formerly Invitae), Labcorp
Classification: Uncertain significance. Last evaluated: 2022-11-23. Review status: criteria provided, single submitter. Criteria: Invitae Variant Classification Sherloc (09022015). Collection method: clinical testing. Allele origin: germline.
Comment: Algorithms developed to predict the effect of missense changes on protein structure and function are either unavailable or do not agree on the potential impact of this missense change (SIFT: "Deleterious"; PolyPhen-2: "Probably Damaging"; Align-GVGD: "Class C0"). In summary, the available evidence is currently insufficient to determine the role of this variant in disease. Therefore, it has been classified as a Variant of Uncertain Significance. This variant has not been reported in the literature in individuals affected with IL6ST-related conditions. This variant is present in population databases (no rsID available, gnomAD 0.007%). This sequence change replaces lysine, which is basic and polar, with isoleucine, which is neutral and non-polar, at codon 903 of the IL6ST protein (p.Lys903Ile).